The following is an entry in ClinVar:

NM_001377142.1(PLCB4):c.325A>C (p.Ile109Leu)

Gene: PLCB4 (phospholipase C beta 4; plus strand). Cytogenetic location: 20p12.2.
Variant type: single nucleotide variant.
Coding change: c.325A>C on transcript NM_001377142.1 (MANE Select); coding-DNA position 325, A replaced by C.
Protein change: p.Ile109Leu; replaces isoleucine 109 with leucine.
Molecular consequence: missense variant.
Genome position (GRCh38, 1-based): chr20:9,338,993, A>C. VCF-style: chr20-9338993-A-C. GRCh37 (hg19) VCF-style: chr20-9319640-A-C.
Other names: c.325A>C, p.Ile109Leu (NM_000933.4, NM_001172646.2, NM_001377134.2 and 4 more transcripts); short protein forms I109L.
Identifiers: ClinVar variation 4803246 (VCV004803246.1).

ClinVar aggregate classification (germline): Uncertain significance (1 of 4 stars; one submission).

Submission:

Labcorp Genetics (formerly Invitae), Labcorp
Classification: Uncertain significance. Last evaluated: 2025-10-26. Review status: criteria provided, single submitter. Criteria: Invitae Variant Classification Sherloc (09022015). Collection method: clinical testing. Allele origin: germline.
Comment: This sequence change replaces isoleucine, which is neutral and non-polar, with leucine, which is neutral and non-polar, at codon 109 of the PLCB4 protein (p.Ile109Leu). This variant is not present in population databases (gnomAD no frequency). This variant has not been reported in the literature in individuals affected with PLCB4-related conditions. Invitae Evidence Modeling of protein sequence and biophysical properties (such as structural, functional, and spatial information, amino acid conservation, physicochemical variation, residue mobility, and thermodynamic stability) indicates that this missense variant is not expected to disrupt PLCB4 protein function with a negative predictive value of 95%. In summary, the available evidence is currently insufficient to determine the role of this variant in disease. Therefore, it has been classified as a Variant of Uncertain Significance.